The following is an entry in ClinVar:

NM_001142864.4(PIEZO1):c.4601G>A (p.Arg1534Gln)

Gene: PIEZO1 (piezo type mechanosensitive ion channel component 1 (Er blood group); minus strand). Cytogenetic location: 16q24.3.
Variant type: single nucleotide variant.
Coding change: c.4601G>A on transcript NM_001142864.4 (MANE Select); coding-DNA position 4601, G replaced by A.
Protein change: p.Arg1534Gln; replaces arginine 1534 with glutamine.
Molecular consequence: missense variant.
Genome position (GRCh38, 1-based): chr16:88,722,904, C>T on the plus strand (G>A on the coding strand, the complement: PIEZO1 is on the minus strand). VCF-style: chr16-88722904-C-T. GRCh37 (hg19) VCF-style: chr16-88789312-C-T.
Other names: c.4601G>A, p.Arg1534Gln (LRG_1137t1); short protein forms R1534Q.
Identifiers: ClinVar variation 450449 (VCV000450449.3), dbSNP rs920528969, ClinGen allele CA286410094.

ClinVar aggregate classification (germline): Uncertain significance. Review status: criteria provided, multiple submitters, no conflicts (2 of 4 stars). 2 submissions from 2 submitters: Uncertain significance (2). Last evaluated 2025-08-29.

Conditions:
Lymphatic malformation 6 (LMPHM6). Also called: GENERALIZED LYMPHATIC DYSPLASIA OF FOTIOU; Lymphedema, hereditary, III; PIEZO1-related generalized lymphatic dysplasia with non-immune hydrops fetalis. Identifiers: Orphanet 568062, MedGen C4225184, MONDO:0014797, OMIM 616843.

Allele frequency attached by ClinVar (database versions not stated): TOPMed 0.00001; gnomAD exomes 0.00002 and 0.00001; gnomAD 0.00001.
gnomAD v4.1: 34 of 1,549,030 alleles (0.0022%); highest among the groups gnomAD compares: East Asian, 0.0098%; no homozygotes.

Submissions (2):

Clinical Genomics Laboratory, Washington University in St. Louis
Classification: Uncertain significance for Lymphatic malformation 6. Last evaluated: 2025-08-29. Review status: criteria provided, single submitter. Criteria: ACMG Guidelines, 2015. Collection method: clinical testing. Allele origin: germline.
Comment: A PIEZO1 c.4601G>A (p.Arg1534Gln) variant was identified at a near heterozygous allelic fraction of 47.9%, a frequency which may be consistent with it being of germline origin. This variant, to our knowledge, has not been reported in the medical literature but has been reported as a germline variant of uncertain significance in the ClinVar database by one submitter (ClinVar ID: 450449). The PIEZO1 c.4601G>A (p.Arg1534Gln) variant is observed in 34/1,549,030 alleles in the general population (gnomAD v4.1.0), indicating it is not a common variant. Computational predictors indicate that the variant has no impact on the PIEZO1 function. Due to limited information, and based on ACMG/AMP guidelines for variant interpretation (Richards S et al., PMID: 25741868), the clinical significance of this variant is uncertain at this time.

GeneDx
Classification: Uncertain significance. Last evaluated: 2017-07-07. Review status: criteria provided, single submitter. Criteria: GeneDx Variant Classification (06012015). Collection method: clinical testing. Allele origin: germline. Affected: yes.
Comment: The R1534Q variant in the PIEZO1 gene has not been reported previously as a pathogenic variant, nor as a benign variant, to our knowledge. The R1534Q variant is not observed in large population cohorts (Lek et al., 2016; 1000 Genomes Consortium et al., 2015; Exome Variant Server). The R1534Q variant is a semi-conservative amino acid substitution, which may impact secondary protein structure as these residues differ in some properties. This substitution occurs at a position where amino acids with similar properties to Arginine are tolerated across species. In silico analysis is inconsistent in its predictions as to whether or not the variant is damaging to the protein structure/function. We interpret R1534Q as a variant of uncertain significance.